The following is an entry in ClinVar:

ClinVar aggregate classification (germline): Uncertain significance. Review status: criteria provided, multiple submitters, no conflicts (2 of 4 stars). 2 submissions from 2 submitters: Uncertain significance (2). Last evaluated 2022-10-25.

Conditions:
Inborn genetic diseases. Identifiers: MedGen C0950123, MeSH D030342.
Glycogen storage disease due to muscle and heart glycogen synthase deficiency. Also called: MUSCLE GLYCOGEN SYNTHASE DEFICIENCY; GSD 0b. Identifiers: Orphanet 137625, MedGen C1969054, MONDO:0012693, OMIM 611556.

Submissions (2):

Ambry Genetics
Classification: Uncertain significance for Inborn genetic diseases. Last evaluated: 2022-10-25. Review status: criteria provided, single submitter. Criteria: Ambry Variant Classification Scheme 2023. Collection method: clinical testing. Allele origin: germline.
Comment: The c.1315_1316delTCinsAA (p.S439N) alteration, located in exon 11 (coding exon 11) of the GYS1 gene, consists of an in-frame substitution of 2 nucleotides from position 1315 to 1316, causing the serine (S) at amino acid position 439 to be replaced by an asparagine (N). Based on insufficient or conflicting evidence, the clinical significance of this alteration remains unclear.

Labcorp Genetics (formerly Invitae), Labcorp
Classification: Uncertain significance for Glycogen storage disease due to muscle and heart glycogen synthase deficiency. Last evaluated: 2021-08-27. Review status: criteria provided, single submitter. Criteria: Invitae Variant Classification Sherloc (09022015). Collection method: clinical testing. Allele origin: germline.

NM_002103.5(GYS1):c.1315_1316delinsAA (p.Ser439Asn)

Gene: GYS1 (glycogen synthase 1; minus strand). Cytogenetic location: 19q13.33.
Variant type: Indel.
Coding change: c.1315_1316delinsAA on transcript NM_002103.5 (MANE Select); coding-DNA positions 1315 to 1316, TC replaced by AA.
Protein change: p.Ser439Asn; replaces serine 439 with asparagine.
Molecular consequence: missense variant. On other transcripts: non-coding transcript variant (1).
Genome position (GRCh38, 1-based): chr19:48,974,726-48,974,727, GA replaced by TT on the plus strand (TC replaced by AA on the coding strand, the reverse complement: GYS1 is on the minus strand). VCF-style: chr19-48974726-GA-TT. GRCh37 (hg19) VCF-style: chr19-49477983-GA-TT.
Other names: c.1123_1124delinsAA, p.Ser375Asn (NM_001161587.2); short protein forms S439N, S375N.
Identifiers: ClinVar variation 649510 (VCV000649510.6), dbSNP rs1600135048, ClinGen allele CA915951882.